The following is an entry in ClinVar:

NM_000092.5(COL4A4):c.1145G>C (p.Gly382Ala)

Gene: COL4A4 (collagen type IV alpha 4 chain; minus strand). Cytogenetic location: 2q36.3.
Variant type: single nucleotide variant.
Coding change: c.1145G>C on transcript NM_000092.5 (MANE Select); coding-DNA position 1145, G replaced by C.
Protein change: p.Gly382Ala; replaces glycine 382 with alanine.
Molecular consequence: missense variant.
Genome position (GRCh38, 1-based): chr2:227,098,753, C>G on the plus strand (G>C on the coding strand, the complement: COL4A4 is on the minus strand). VCF-style: chr2-227098753-C-G. GRCh37 (hg19) VCF-style: chr2-227963469-C-G.
Other names: short protein forms G382A.
Identifiers: ClinVar variation 1219193 (VCV001219193.16), dbSNP rs751952236, ClinGen allele CA2145268.

ClinVar aggregate classification (germline): Pathogenic/Likely pathogenic. Review status: criteria provided, multiple submitters, no conflicts (2 of 4 stars). 6 submissions from 6 submitters: Pathogenic (5); Likely pathogenic (1). Last evaluated 2026-07-02.

Conditions:
Alport syndrome. Also called: Hemorrhagic familial nephritis; Hemorrhagic hereditary nephritis; Congenital hereditary hematuria. Identifiers: Orphanet 63, MedGen C1567741, MONDO:0018965.
Hematuria. Identifiers: MedGen C0018965, HP:0000790.
Autosomal recessive Alport syndrome (ATS2). Also called: COL4A4 Alport Syndrome and Thin Basement Membrane Nephropathy; ALPORT SYNDROME 2, AUTOSOMAL RECESSIVE; Alport syndrome type 2; COL4A3-Related Nephropathy. Identifiers: Orphanet 63, Orphanet 88919, MedGen C4746745, MONDO:0008762, OMIM 203780.
Hematuria, benign familial, 1 (BFH1). Also called: THIN MEMBRANE NEPHROPATHY. Identifiers: MedGen CN376803, MONDO:0007709, OMIM 141200.
COL4A4-related disorder.

Allele frequency attached by ClinVar (database versions not stated): ExAC 0.00001; gnomAD 0.00001; gnomAD exomes 0.00001; TOPMed 0.00001.
gnomAD v4.1: 13 of 1,613,928 alleles (0.00081%); highest among the groups gnomAD compares: Non-Finnish European, 0.001%; no homozygotes.

Submissions (6):

Genetics Laboratory, Great Ormond Street Hospital NHS Foundation Trust, North Thames Genomic Laboratory Hub
Classification: Pathogenic for Haematuria. Last evaluated: 2026-07-02. Review status: criteria provided, single submitter. Criteria: ACGS Best Practice Guidelines for Variant Classification in Rare Disease 2024 v1.2. Collection method: clinical testing. Allele origin: germline. Affected: yes.
Comment: PS4_moderate, PM2_moderate, PP3_supporting, PM5_supporting, PM1_strong

PreventionGenetics, part of Exact Sciences
Classification: Pathogenic for COL4A4-related condition. Last evaluated: 2025-12-10. Review status: criteria provided, single submitter. Criteria: ACMG Guidelines, 2015. Collection method: clinical testing. Allele origin: germline.
Comment: The COL4A4 c.1145G>C variant is predicted to result in the amino acid substitution p.Gly382Ala. This variant affects a glycine (Gly) residue of the conserved triple helical domain (residues 65-1459) of the COL4A4 protein, where substitutions of the glycine (Gly) residue are usually pathogenic (Hudson et al. 1993. PubMed ID: 8253711). In addition, at other glycine (Gly) residues within this domain, substitutions of a glycine (Gly) with an alanine (Ala) have been widely reported to be pathogenic for autosomal dominant COL4A4 nephropathy (see for example, p.Gly77Ala in Suppl. Table S2, Jayasinghe et al. 2021. PubMed ID: 32939031; p.Gly243Ala in Gribouval et al. 2018. PubMed ID: 30348286; p.Gly276Ala in Imafuku et al. 2017. PubMed ID: 28704582; p.Gly837Ala in Izumi et al. 2019. PubMed ID: 31677115; p.Gly1216Ala in Supplementary Table 1, Sun et al. 2018. PubMed ID: 30076350; p.Gly1392Ala in Table S7, Groopman et al. 2019. PubMed ID: 30586318). The c.1145G>C (p.Gly382Ala) variant is reported in 0.0009% of alleles in individuals of European (non-Finnish) descent in gnomAD. Taken together, this variant is interpreted as pathogenic for both autosomal dominant and recessive COL4A4 nephropathy.

Natera, Inc.
Classification: Likely pathogenic for Alport syndrome. Last evaluated: 2025-09-17. Review status: criteria provided, single submitter. Criteria: Natera Variant Classification Schema (03/2026). Collection method: clinical testing. Allele origin: germline.
Comment: The c.1145G>C variant in COL4A4 is a missense variant predicted to cause substitution of glycine to alanine at amino acid 382. This variant is rare in the general population with a frequency below the threshold expected for the associated phenotype(s). This variant is located in a functionally critical region of the protein. Computational prediction algorithms indicate this variant is likely to affect gene or protein function. Given the available evidence, this variant is classified as Likely Pathogenic.

GeneDx
Classification: Pathogenic. Last evaluated: 2025-09-08. Review status: criteria provided, single submitter. Criteria: GeneDx Variant Classification Process June 2021. Collection method: clinical testing. Allele origin: germline. Affected: yes.
Comment: Affects a glycine residue in a Gly-X-Y motif in the triple helical region of the COL4A4 gene, where the majority of pathogenic missense variants occur, and is predicted to disrupt normal protein folding and function (HGMD; PMID 10752524); Not observed at significant frequency in large population cohorts (gnomAD); In silico analysis supports that this missense variant has a deleterious effect on protein structure/function; This variant is associated with the following publications: (PMID: 34400539, 29204651, 10752524, 24077912)

Labcorp Genetics (formerly Invitae), Labcorp
Classification: Pathogenic. Last evaluated: 2025-08-26. Review status: criteria provided, single submitter. Criteria: Invitae Variant Classification Sherloc (09022015). Collection method: clinical testing. Allele origin: germline.
Comment: This sequence change replaces glycine, which is neutral and non-polar, with alanine, which is neutral and non-polar, at codon 382 of the COL4A4 protein (p.Gly382Ala). This variant is present in population databases (rs751952236, gnomAD 0.0009%). This missense change has been observed in individuals with clinical features of Alport syndrome (PMID: 29204651; internal data). ClinVar contains an entry for this variant (Variation ID: 1219193). Invitae Evidence Modeling of protein sequence and biophysical properties (such as structural, functional, and spatial information, amino acid conservation, physicochemical variation, residue mobility, and thermodynamic stability) indicates that this missense variant is expected to disrupt COL4A4 protein function with a positive predictive value of 95%. This variant disrupts the p.Gly382 amino acid residue in COL4A4. Other variant(s) that disrupt this residue have been determined to be pathogenic (PMID: 31328266; internal data). This suggests that this residue is clinically significant, and that variants that disrupt this residue are likely to be disease-causing. For these reasons, this variant has been classified as Pathogenic.

Fulgent Genetics
Classification: Pathogenic for Hematuria, benign familial, 1; Autosomal recessive Alport syndrome. Last evaluated: 2024-02-20. Review status: criteria provided, single submitter. Criteria: ACMG Guidelines, 2015. Collection method: clinical testing. Allele origin: germline.

Literature cited by the submitters: PubMed 29204651 (cited by Labcorp Genetics (formerly Invitae), Labcorp); PubMed 31328266 (cited by Labcorp Genetics (formerly Invitae), Labcorp).